The following is an entry in ClinVar:

ClinVar aggregate classification (germline): Uncertain significance (1 of 4 stars; one submission).

Conditions:
Leigh syndrome (NULS). Also called: Leigh's necrotizing encephalopathy; Leigh's disease; Leigh's syndrome; LEIGH SYNDROME, NUCLEAR; Leigh Syndrome (mtDNA deletion); Leigh Disease. Identifiers: Orphanet 506, MedGen C2931891, MONDO:0009723, OMIM 256000.

Submission:

Wong Mito Lab, Molecular and Human Genetics, Baylor College of Medicine
Classification: Uncertain significance for Leigh syndrome. Last evaluated: 2019-10-17. Review status: criteria provided, single submitter. Criteria: Modified ACMG Guidelines (Unpublished). Collection method: clinical testing. Allele origin: germline.
Comment: The NC_012920.1:m.15336T>A (YP_003024038.1:p.Leu197His) variant in MTCYB gene is interpretated to be a Uncertain Significance variant based on the modified ACMG guidelines (unpublished). This variant meets the following evidence codes: PP7

NC_012920.1(MT-CYB):m.15336T>A

Gene: MT-CYB (mitochondrially encoded cytochrome b; plus strand).
Variant type: single nucleotide variant.
Genome position: chrM-15336-T-A.
Identifiers: ClinVar variation 693869 (VCV000693869.1), dbSNP rs1603225228, ClinGen allele CA913173588.
Genomic context (GRCh38, chrMT:15,336, plus strand): 5'-GATTCTTTACCTTTCACTTCATCTTGCCCTTCATTATTGCAGCCCTAGCAACACTCCACC[T>A]CCTATTCTTGCACGAAACGGGATCAAACAACCCCCTAGGAATCACCTCCCATTCCGATAA-3'